The following is an entry in ClinVar:

ClinVar aggregate classification (germline): Conflicting classifications of pathogenicity. Review status: criteria provided, conflicting classifications (1 of 4 stars). 9 submissions from 9 submitters: Pathogenic (1); Likely pathogenic (2); Uncertain significance (4). 2 of the submissions do not count toward it. Last evaluated 2026-02-10.

Conditions:
POLE-related disorder. Also called: POLE-related disorders; POLE-related condition.
Hereditary cancer-predisposing syndrome. Also called: Neoplastic Syndromes, Hereditary; Tumor predisposition; Hereditary Cancer Syndrome; Hereditary neoplastic syndrome. Identifiers: Orphanet 140162, MedGen C0027672, MeSH D009386, MONDO:0015356.
Colorectal cancer, susceptibility to, 12 (CRCS12). Also called: COLORECTAL CANCER, SUSCEPTIBILITY TO, ON CHROMOSOME 12q24. Identifiers: Orphanet 220460, MedGen C3554460, MONDO:0014038, OMIM 615083.

Allele frequency attached by ClinVar (database versions not stated): gnomAD 0.00001; gnomAD exomes 0.00001; TOPMed 0.00001.
gnomAD v4.1: 12 of 1,613,182 alleles (0.00074%); highest among the groups gnomAD compares: Non-Finnish European, 0.00093%; no homozygotes.

Submissions (9):

PreventionGenetics, part of Exact Sciences
Classification: Likely pathogenic for POLE-related condition. Last evaluated: 2026-02-10. Review status: criteria provided, single submitter. Criteria: ACMG Guidelines, 2015. Collection method: clinical testing. Allele origin: germline.
Comment: The POLE c.941C>G variant is predicted to result in premature protein termination (p.Ser314*). This variant has been reported in an individual with breast cancer; however, evidence supporting pathogenicity was not provided (Table S1, Shirts et al. 2016. PubMed ID: 26845104). This variant has not been reported in a large population database (gnomAD), and has conflicting interpretations in ClinVar ranging from uncertain to pathogenic (Variation ID: 224590). We classify this variant as likely pathogenic for autosomal recessive POLE-related disorders and as a variant of uncertain significance for autosomal dominant POLE-related phenotypes.

Labcorp Genetics (formerly Invitae), Labcorp
Classification: Pathogenic. Last evaluated: 2026-01-11. Review status: criteria provided, single submitter. Criteria: Invitae Variant Classification Sherloc (09022015). Collection method: clinical testing. Allele origin: germline.
Comment: This sequence change creates a premature translational stop signal (p.Ser314*) in the POLE gene. It is expected to result in an absent or disrupted protein product. Loss-of-function variants in POLE are known to be pathogenic (PMID: 23230001, 25948378, 30503519). This variant is not present in population databases (gnomAD no frequency). This premature translational stop signal has been observed in individual(s) with breast cancer (PMID: 26845104). ClinVar contains an entry for this variant (Variation ID: 224590). RNA analysis performed to evaluate the impact of this premature translational stop signal on mRNA splicing indicates it does not significantly alter splicing (internal data). For these reasons, this variant has been classified as Pathogenic.

Ambry Genetics
Classification: Uncertain significance for Hereditary cancer-predisposing syndrome. Last evaluated: 2026-01-07. Review status: criteria provided, single submitter. Criteria: Ambry Variant Classification Scheme 2023. Collection method: clinical testing. Allele origin: germline.
Comment: The p.S314* variant (also known as c.941C>G), located in coding exon 10 of the POLE gene, results from a C to G substitution at nucleotide position 941. This changes the amino acid from a serine to a stop codon within coding exon 10. This alteration is expected to result in loss of function by premature protein truncation or nonsense-mediated mRNA decay. Although biallelic loss of function of POLE has been associated with autosomal recessive POLE deficiency, haploinsufficiency of POLE has not been established as a mechanism of disease for POLE-related polymerase proofreading-associated polyposis (PPAP) and POLE-related CMMRD-like syndrome. Based on the supporting evidence, this variant is expected to be causative of POLE deficiency when present along with a second pathogenic variant on the other allele; however, its clinical significance for PPAP and POLE-related CMMRD-like syndrome is unclear.

Quest Diagnostics Nichols Institute San Juan Capistrano
Classification: Uncertain significance. Last evaluated: 2025-10-24. Review status: criteria provided, single submitter. Criteria: Quest Diagnostics criteria. Collection method: clinical testing. Allele origin: unknown.
Comment: The POLE c.941C>G (p.Ser314*) variant alters the translational reading frame of the POLE mRNA and is predicted to cause the premature termination of POLE protein synthesis, however loss of function has not been established as a mechanism for POLE-associated hereditary cancer predisposition. In the published literature, this variant has been reported in an individual with breast cancer (PMID: 26845104 (2016)) and ovarian cancer (PMID: 32546565 (2021)). The frequency of this variant in the general population (Genome Aggregation Database) is uninformative in the assessment of its pathogenicity. Based on the available information, we are unable to determine the clinical significance of this variant for autosomal dominant POLE-associated hereditary cancer predisposition.

St. Jude Molecular Pathology, St. Jude Children's Research Hospital
Classification: Uncertain significance for Colorectal cancer, susceptibility to, 12. Last evaluated: 2024-09-28. Review status: criteria provided, single submitter. Criteria: St. Jude Assertion Criteria 2020. Collection method: clinical testing. Allele origin: germline.
Comment: The POLE c.941C>G (p.Ser314Ter) change is a nonsense variant that is predicted to cause premature protein truncation or absence of protein due to nonsense-mediated decay. This variant is absent in gnomAD v2.1.1. The disease mechanism for replication-repair-associated DNA polymerases is loss of proofreading caused by missense changes in the exonuclease domain, whereas protein-truncating variants causing loss-of-function are associated with IMAGE-I syndrome (PMID: 23447401, 30503519). In summary, this variant is pathogenic with respect to IMAGE-I syndrome and of uncertain significance with respect to polymerase proofreading-associated polyposis.

GeneDx
Classification: Likely pathogenic. Last evaluated: 2024-04-05. Review status: criteria provided, single submitter. Criteria: GeneDx Variant Classification Process June 2021. Collection method: clinical testing. Allele origin: germline. Affected: yes.
Comment: Nonsense variant predicted to result in protein truncation or nonsense mediated decay in a gene for which loss of function is a known mechanism of disease; Not observed at significant frequency in large population cohorts (gnomAD); Observed in an individual with breast cancer (PMID: 26845104); This variant is associated with the following publications: (PMID: 27244218, 29056344, 26845104)

Laboratory for Molecular Medicine, Mass General Brigham Personalized Medicine
Classification: Uncertain significance. Last evaluated: 2017-04-21. Review status: criteria provided, single submitter. Criteria: LMM Criteria. Collection method: clinical testing. Allele origin: germline. Observed: 1 variant allele.
Comment: The p.Ser314X variant in POLE has been reported in 1 individual with breast canc er (Shirts 2015), has also been reported in ClinVar (Variation ID 224590) and wa s absent from large population studies. This nonsense variant leads to a prematu re termination codon at position 314, which is predicted to lead to a truncated or absent protein. Although this variant is expected to severely impact the prot ein, the POLE gene has not yet been widely studied in patients (to date, virtual ly all variants reported in patients with colorectal cancer represent missense c hanges). In summary, the clinical significance of the p.Ser314X variant is uncer tain.

Counsyl
Classification: Uncertain significance for Colorectal cancer, susceptibility to, 12. Last evaluated: 2016-09-07. Review status: no assertion criteria provided. Collection method: clinical testing. Allele origin: unknown. Not counted in ClinVar's aggregate classification.

University of Washington Department of Laboratory Medicine, University of Washington
Classification: Likely benign for Colorectal cancer, susceptibility to, 12. Last evaluated: 2017-10-30. Review status: flagged submission. Criteria: Shirts BH et al. (Genet Med 2016). Collection method: clinical testing. Allele origin: germline. Inheritance: Autosomal dominant inheritance. Affected: no. Not counted in ClinVar's aggregate classification.
Comment: A large study of hypermutated tumors describes specific missense driver mutations in POLE (Campbell 2017). Variants in POLE that increase cancer risk cause increased mutations in replicating DNA by specifically altering the exonuclease, or proofreading, activity while maintaining the polymerase, or DNA synthesis, activity of this enzyme Truncating variants that eliminate all polymerase activity are not predicted to produce a similar hypermutation phenotype. Consistently, there are no reported observations of truncating variants in the POLE gene, such as p.S314*, causing hypermutation in tumors with increased cancer risk.
ClinVar note: Reason: Outlier claim with insufficient supporting evidence

Literature cited by the submitters: PubMed 23230001 (cited by Labcorp Genetics (formerly Invitae), Labcorp); PubMed 25948378 (cited by Labcorp Genetics (formerly Invitae), Labcorp); PubMed 30503519 (cited by Labcorp Genetics (formerly Invitae), Labcorp); PubMed 26845104 (cited by 5 submitters); PubMed 27244218 (cited by Quest Diagnostics Nichols Institute San Juan Capistrano); PubMed 32546565 (cited by Quest Diagnostics Nichols Institute San Juan Capistrano); PubMed 29056344 (cited by University of Washington Department of Laboratory Medicine, University of Washington).

NM_006231.4(POLE):c.941C>G (p.Ser314Ter)

Gene: POLE (DNA polymerase epsilon, catalytic subunit; minus strand). Cytogenetic location: 12q24.33.
Variant type: single nucleotide variant.
Coding change: c.941C>G on transcript NM_006231.4 (MANE Select); coding-DNA position 941, C replaced by G.
Protein change: p.Ser314Ter; replaces serine 314 with a stop codon.
Molecular consequence: nonsense.
Genome position (GRCh38, 1-based): chr12:132,676,173, G>C on the plus strand (C>G on the coding strand, the complement: POLE is on the minus strand). VCF-style: chr12-132676173-G-C. GRCh37 (hg19) VCF-style: chr12-133252759-G-C.
Other names: short protein forms S314*.
Identifiers: ClinVar variation 224590 (VCV000224590.33), dbSNP rs869312803, ClinGen allele CA353487.